The following is an entry in ClinVar:

ClinVar aggregate classification (germline): Conflicting classifications of pathogenicity. Review status: criteria provided, conflicting classifications (1 of 4 stars). 5 submissions from 5 submitters: Uncertain significance (3); Likely benign (1). 1 of the submissions does not count toward it. Last evaluated 2026-01-11.

Conditions:
LOXHD1-related disorder. Also called: LOXHD1-related condition.
Autosomal recessive nonsyndromic hearing loss 77. Identifiers: Orphanet 90636, MedGen C2746083, MONDO:0013119, OMIM 613079.

Allele frequency attached by ClinVar (database versions not stated): TOPMed 0.00006; gnomAD 0.00009; gnomAD exomes 0.00010 and 0.00030; ExAC 0.00027; 1000 Genomes Project 30x 0.00031.
gnomAD v4.1: 158 of 1,551,276 alleles (0.01%); highest among the groups gnomAD compares: Admixed American, 0.071%; 1 homozygote.

Submissions (5):

Labcorp Genetics (formerly Invitae), Labcorp
Classification: Likely benign. Last evaluated: 2026-01-11. Review status: criteria provided, single submitter. Criteria: Invitae Variant Classification Sherloc (09022015). Collection method: clinical testing. Allele origin: germline.

PreventionGenetics, part of Exact Sciences
Classification: Uncertain significance for LOXHD1-related condition. Last evaluated: 2026-01-11. Review status: criteria provided, single submitter. Criteria: ACMG Guidelines, 2015. Collection method: clinical testing. Allele origin: germline.
Comment: The LOXHD1 c.5272A>T variant is predicted to result in the amino acid substitution p.Thr1758Ser. This variant was reported in an individual with late onset Fuchs corneal dystrophy, late-onset (Table S2, Riazuddin et al. 2012. PubMed ID: 22341973). This variant is reported in 0.23% of alleles in individuals of Ashkenazi Jewish descent in gnomAD, which is likely too high for causative variant. Although we suspect that this variant may be benign, at this time, the clinical significance of this variant is uncertain due to the absence of conclusive functional and genetic evidence.

Laboratory for Molecular Medicine, Mass General Brigham Personalized Medicine
Classification: Uncertain significance. Last evaluated: 2017-06-26. Review status: criteria provided, single submitter. Criteria: LMM Criteria. Collection method: clinical testing. Allele origin: germline. Observed: 2 variant alleles.
Comment: Variant classified as Uncertain Significance - Favor Benign. This variant has been identified in 0.25% (21/8 532) of Ashkenazi Jewish chromosomes by the genome Aggregation Database (gnomAD; dbSNP rs775871086); however, this frequency i s not high enough to rule out a pathogenic role. Computational prediction tools and conservation analysis suggest that this variant may not impact the protein, though this information is not predictive enough to rule out pathogenicity. In s ummary, while the clinical significance of the p.Thr1758Ser variant is uncertain , available data suggest that it is more likely to be benign.

Illumina Laboratory Services, Illumina
Classification: Uncertain significance for Autosomal recessive nonsyndromic hearing loss 77. Last evaluated: 2017-04-27. Review status: criteria provided, single submitter. Criteria: ICSL Variant Classification Criteria 13 December 2019. Collection method: clinical testing. Allele origin: germline.

Counsyl
Classification: Uncertain significance for Autosomal recessive nonsyndromic hearing loss 77. Last evaluated: 2017-06-19. Review status: no assertion criteria provided. Collection method: clinical testing. Allele origin: unknown. Not counted in ClinVar's aggregate classification.

Literature cited by the submitters: PubMed 22341973 (cited by Laboratory for Molecular Medicine, Mass General Brigham Personalized Medicine and Counsyl).

NM_001384474.1(LOXHD1):c.5458A>T (p.Thr1820Ser)

Gene: LOXHD1 (lipoxygenase homology PLAT domains 1; minus strand). Cytogenetic location: 18q21.1.
Variant type: single nucleotide variant.
Coding change: c.5458A>T on transcript NM_001384474.1 (MANE Select); coding-DNA position 5458, A replaced by T.
Protein change: p.Thr1820Ser; replaces threonine 1820 with serine.
Molecular consequence: missense variant.
Genome position (GRCh38, 1-based): chr18:46,509,757, T>A on the plus strand (A>T on the coding strand, the complement: LOXHD1 is on the minus strand). VCF-style: chr18-46509757-T-A. GRCh37 (hg19) VCF-style: chr18-44089720-T-A.
Other names: c.2125A>T, p.Thr709Ser (NM_001145472.3); c.175A>T, p.Thr59Ser (NM_001145473.3, NM_001173129.2); c.1837A>T, p.Thr613Ser (NM_001308013.2); c.5272A>T, p.Thr1758Ser (NM_144612.7); short protein forms T1758S, T709S, T613S, T59S, T1820S.
Identifiers: ClinVar variation 228834 (VCV000228834.20), dbSNP rs775871086, ClinGen allele CA8952195.